The following is an entry in ClinVar:

NM_000540.3(RYR1):c.9655T>C (p.Tyr3219His)

Gene: RYR1 (ryanodine receptor 1; plus strand). Cytogenetic location: 19q13.2.
Variant type: single nucleotide variant.
Coding change: c.9655T>C on transcript NM_000540.3 (MANE Select); coding-DNA position 9655, T replaced by C.
Protein change: p.Tyr3219His; replaces tyrosine 3219 with histidine.
Molecular consequence: missense variant.
Genome position (GRCh38, 1-based): chr19:38,516,187, T>C. VCF-style: chr19-38516187-T-C. GRCh37 (hg19) VCF-style: chr19-39006827-T-C.
Other names: c.9655T>C, p.Tyr3219His (NM_001042723.2); short protein forms Y3219H.
Identifiers: ClinVar variation 3070837 (VCV003070837.1), dbSNP rs2514426362, ClinGen allele CA405690717.
Genomic context (GRCh38, chr19:38,516,187, plus strand): 5'-GCAGCCATGCCGGTGGCGTTCCTGGAGCCGCAGCTGAACGAGTACAACGCCTGCTCCGTG[T>C]ACACCACCAAGTCTCCGCGGGAGCGGGCCAGTAAGCTGTGTGGGGCGGGAGCAGTGCTGG-3'
Protein context (NP_000531.2, residues 3209-3229): QLNEYNACSV[Tyr3219His]TTKSPRERAI

ClinVar aggregate classification (germline): Uncertain significance (1 of 4 stars; one submission).

Conditions:
Malignant hyperthermia, susceptibility to, 1 (MHS1). Also called: Anesthesia related hyperthermia; Malignant hyperpyrexia; Fulminating hyperpyrexia; Pharmacogenic myopathy; RYR1-Related Malignant Hyperthermia Susceptibility; Malignant hyperthermia suceptibility 1. Identifiers: Orphanet 423, MedGen C2930980, MONDO:0007783, OMIM 145600.

Submission:

All of Us Research Program, National Institutes of Health
Classification: Uncertain significance for Malignant hyperthermia, susceptibility to, 1. Last evaluated: 2023-05-04. Review status: criteria provided, single submitter. Criteria: ACMG Guidelines, 2015. Collection method: clinical testing. Allele origin: germline. Inheritance: Autosomal dominant inheritance. Observed: 1 variant allele, 1 heterozygote.
Comment: This missense variant replaces tyrosine with histidine at codon 3219 of the RYR1 protein. Computational prediction is inconclusive regarding the impact of this variant on protein structure and function (internally defined REVEL score threshold 0.5 < inconclusive < 0.7, PMID: 27666373). To our knowledge, functional studies have not been reported for this variant. This variant has not been reported in individuals affected with RYR1-related disorders in the literature. This variant has not been identified in the general population by the Genome Aggregation Database (gnomAD). The available evidence is insufficient to determine the role of this variant in disease conclusively. Therefore, this variant is classified as a Variant of Uncertain Significance.

This study involves interpretation of variants in research participants for the purpose of population health screening. Participant phenotype was not available at the time of variant classification. Additional details can be found in publication PMID: 35346344, PMCID: PMC8962531